The following is an entry in ClinVar:

NM_001376.5(DYNC1H1):c.10238G>A (p.Arg3413His)

Gene: DYNC1H1 (dynein cytoplasmic 1 heavy chain 1; plus strand). Cytogenetic location: 14q32.31.
Variant type: single nucleotide variant.
Coding change: c.10238G>A on transcript NM_001376.5 (MANE Select); coding-DNA position 10238, G replaced by A.
Protein change: p.Arg3413His; replaces arginine 3413 with histidine.
Molecular consequence: missense variant.
Genome position (GRCh38, 1-based): chr14:102,033,309, G>A. VCF-style: chr14-102033309-G-A. GRCh37 (hg19) VCF-style: chr14-102499646-G-A.
Other names: short protein forms R3413H.
Identifiers: ClinVar variation 1804111 (VCV001804111.5), dbSNP rs776130043, ClinGen allele CA7353383.
Genomic context (GRCh38, chr14:102,033,309, plus strand): 5'-TATCAATTGGTTCTTCCCAGCTTAACTATGCAGACATGTTAAAGAGAGTGGAGCCCCTAC[G>A]CAATGAGCTGCAGAAGCTGGAAGATGACGCCAAGGACAACCAGCAGAAGGCCAACGAGGT-3'
Protein context (NP_001367.2, residues 3403-3423): ADMLKRVEPL[Arg3413His]NELQKLEDDA

ClinVar aggregate classification (germline): Conflicting classifications of pathogenicity. Review status: criteria provided, conflicting classifications (1 of 4 stars). 3 submissions from 3 submitters: Pathogenic (1); Uncertain significance (2). Last evaluated 2024-02-28.

Conditions:
Charcot-Marie-Tooth disease axonal type 2O. Also called: CHARCOT-MARIE-TOOTH NEUROPATHY, AXONAL, TYPE 2O; CHARCOT-MARIE-TOOTH DISEASE, AXONAL, AUTOSOMAL DOMINANT, TYPE 2O; Charcot-Marie-Tooth Neuropathy Type 2O; Charcot-Marie-Tooth disease, axonal, type 20. Identifiers: Orphanet 284232, MedGen C3280220, MONDO:0013644, OMIM 614228.
Cortical dysplasia, complex, with other brain malformations 13. Also called: Intellectual disability, autosomal dominant 13. Identifiers: MedGen C3281202, MONDO:0013805, OMIM 614563.

Allele frequency attached by ClinVar (database versions not stated): gnomAD exomes below 0.00001; TOPMed below 0.00001; ExAC 0.00001.
gnomAD v4.1: 1 of 1,614,144 alleles (0.000062%); no homozygotes.

Submissions (3):

Labcorp Genetics (formerly Invitae), Labcorp
Classification: Pathogenic for Charcot-Marie-Tooth disease axonal type 2O. Last evaluated: 2024-02-28. Review status: criteria provided, single submitter. Criteria: Invitae Variant Classification Sherloc (09022015). Collection method: clinical testing. Allele origin: germline.
Comment: This sequence change replaces arginine, which is basic and polar, with histidine, which is basic and polar, at codon 3413 of the DYNC1H1 protein (p.Arg3413His). This variant is present in population databases (rs776130043, gnomAD 0.004%). This missense change has been observed in individual(s) with DYNC1H1-related conditions (Invitae). In at least one individual the variant was observed to be de novo. ClinVar contains an entry for this variant (Variation ID: 1804111). Advanced modeling of protein sequence and biophysical properties (such as structural, functional, and spatial information, amino acid conservation, physicochemical variation, residue mobility, and thermodynamic stability) performed at Invitae indicates that this missense variant is expected to disrupt DYNC1H1 protein function with a positive predictive value of 95%. For these reasons, this variant has been classified as Pathogenic.

Institute of Human Genetics, University of Leipzig Medical Center
Classification: Uncertain significance for Cortical dysplasia, complex, with other brain malformations 13. Last evaluated: 2022-12-09. Review status: criteria provided, single submitter. Criteria: ACMG Guidelines, 2015. Collection method: clinical testing. Allele origin: unknown. Affected: yes.
Comment: _x000D_ Criteria applied: PM2_SUP, PP2, PP3

Blueprint Genetics
Classification: Uncertain significance. Last evaluated: 2021-03-01. Review status: criteria provided, single submitter. Criteria: ACMG Guidelines, 2015. Collection method: clinical testing. Allele origin: germline.